The following is an entry in ClinVar:

NM_001379210.1(SLC25A26):c.554G>A (p.Cys185Tyr)

Gene: SLC25A26 (solute carrier family 25 member 26; plus strand). Cytogenetic location: 3p14.1.
Variant type: single nucleotide variant.
Coding change: c.554G>A on transcript NM_001379210.1 (MANE Select); coding-DNA position 554, G replaced by A.
Protein change: p.Cys185Tyr; replaces cysteine 185 with tyrosine.
Molecular consequence: missense variant. On other transcripts: non-coding transcript variant (10).
Genome position (GRCh38, 1-based): chr3:66,362,915, G>A. VCF-style: chr3-66362915-G-A. GRCh37 (hg19) VCF-style: chr3-66413339-G-A.
Other names: c.554G>A, p.Cys185Tyr (NM_001400705.1, NM_173471.4); c.509G>A, p.Cys170Tyr (NM_001400707.1); c.290G>A, p.Cys97Tyr (NM_001400709.1, NM_001400711.1, NM_001164796.1 and 1 more transcripts); c.245G>A, p.Cys82Tyr (NM_001400714.1); short protein forms C170Y, C185Y, C82Y, C97Y.
Identifiers: ClinVar variation 1703519 (VCV001703519.2), dbSNP rs2472095599, ClinGen allele CA353454145.

ClinVar aggregate classification (germline): Uncertain significance (1 of 4 stars; one submission).

Conditions:
Combined oxidative phosphorylation deficiency 28 (COXPD28). Identifiers: Orphanet 466784, MedGen C5569081, MONDO:0014775, OMIM 616794.

Allele frequency attached by ClinVar (database versions not stated): gnomAD exomes below 0.00001.
gnomAD v4.1: 3 of 1,607,264 alleles (0.00019%); highest among the groups gnomAD compares: African/African-American, 0.0013%; no homozygotes.

Submission:

Center for Human Genetics and Genomic Medicine, Uniklinik Rwth Aachen
Classification: Uncertain significance for Combined oxidative phosphorylation deficiency 28. Last evaluated: 2022-08-10. Review status: criteria provided, single submitter. Criteria: ACMG Guidelines, 2015. Collection method: clinical testing. Allele origin: paternal. Inheritance: Autosomal recessive inheritance. Affected: yes. Observed: 1 heterozygote.
Comment: The detected change is not listed in control collectives (dbSNP151, gnomAD as of 08/10/2022). Bioinformatically, the change is classified as "probably disease-causing" (PolyPhen2, Mutation Taster, SIFT, CADDphred 26.2). It is located in the protein domains "IPR018108" and "Mitochondrial carrier domain superfamily" of the corresponding protein and the nucleotide or amino acid in question is highly conserved. Based on the current state of knowledge, the variant can be classified as a “variant of uncertrain clinical significance” (ACMG criteria). It was observed in trans with the variant NM_173471.4:c.719G>T, which was also classified as "variant of uncertain clinical significance".